The following is an entry in ClinVar:

ClinVar aggregate classification (germline): Uncertain significance (1 of 4 stars; one submission).

Conditions:
Inborn genetic diseases. Identifiers: MedGen C0950123, MeSH D030342.

Submission:

Ambry Genetics
Classification: Uncertain significance for Inborn genetic diseases. Last evaluated: 2026-08-13. Review status: criteria provided, single submitter. Criteria: Ambry Variant Classification Scheme 2023. Collection method: clinical testing. Allele origin: germline.
Comment: The c.740A>G (p.D247G) alteration is located in exon 10 (coding exon 8) of the GNB1 gene. This alteration results from an A to G substitution at nucleotide position 740, causing the aspartic acid (D) at amino acid position 247 to be replaced by a glycine (G). This variant was not reported in population-based cohorts in the Genome Aggregation Database (gnomAD). This amino acid position is highly conserved in available vertebrate species. This missense variant is located in a region that has a low rate of benign missense variation (Lek, 2016; Firth, 2009). This alteration is predicted to be deleterious by in silico analysis. Based on insufficient or conflicting evidence, the clinical significance of this alteration remains unclear.

NM_002074.5(GNB1):c.740A>G (p.Asp247Gly)

Gene: GNB1 (G protein subunit beta 1; minus strand). Cytogenetic location: 1p36.33.
Variant type: single nucleotide variant.
Coding change: c.740A>G on transcript NM_002074.5 (MANE Select); coding-DNA position 740, A replaced by G.
Protein change: p.Asp247Gly; replaces aspartic acid 247 with glycine.
Molecular consequence: missense variant.
Genome position (GRCh38, 1-based): chr1:1,789,229, T>C on the plus strand (A>G on the coding strand, the complement: GNB1 is on the minus strand). VCF-style: chr1-1789229-T-C. GRCh37 (hg19) VCF-style: chr1-1720668-T-C.
Other names: c.440A>G, p.Asp147Gly (NM_001282538.2); c.740A>G, p.Asp247Gly (NM_001282539.2); short protein forms D147G, D247G.
Identifiers: ClinVar variation 5022462 (VCV005022462.1).
Genomic context (GRCh38, chr1:1,789,229, plus strand): 5'-TCATGGGAGTAAGTCATGAGCTCCTGGTCAGCACGAAGGTCAAACAGCCTGCAGGTGGCG[T>C]CGTCTGAGCCAGTGGCAAATGCATTGCCATTTGGAAAGAACTGGAAAGAGAAAGCAAATC-3'
Protein context (NP_002065.1, residues 237-257): NGNAFATGSD[Asp247Gly]ATCRLFDLRA